The following is an entry in ClinVar:

NM_052867.4(NALCN):c.4838G>T (p.Ser1613Ile)

Gene: NALCN (sodium leak channel, non-selective; minus strand). Cytogenetic location: 13q32.3.
Variant type: single nucleotide variant.
Coding change: c.4838G>T on transcript NM_052867.4 (MANE Select); coding-DNA position 4838, G replaced by T.
Protein change: p.Ser1613Ile; replaces serine 1613 with isoleucine.
Molecular consequence: missense variant.
Genome position (GRCh38, 1-based): chr13:101,059,885, C>A on the plus strand (G>T on the coding strand, the complement: NALCN is on the minus strand). VCF-style: chr13-101059885-C-A. GRCh37 (hg19) VCF-style: chr13-101712237-C-A.
Other names: c.4925G>T, p.Ser1642Ile (NM_001350748.2); c.4838G>T, p.Ser1613Ile (NM_001350749.2); c.4751G>T, p.Ser1584Ile (NM_001350750.2, NM_001350751.2); short protein forms S1613I, S1584I, S1642I.
Identifiers: ClinVar variation 5025347 (VCV005025347.1).
Genomic context (GRCh38, chr13:101,059,885, plus strand): 5'-TGCATGCTGTTGTCCTGACTGTTGGCATTCGTGTCCTCACTGGGCTGGGTGGTCTCGATG[C>A]TGGGCGGGTTCAGAAACCGGCTCAGCTCTTGCTGCTGACTCTCTCTCAGGCTGTGGATGA-3'
Protein context (NP_443099.1, residues 1603-1623): QELSRFLNPP[Ser1613Ile]IETTQPSEDT

ClinVar aggregate classification (germline): Uncertain significance (1 of 4 stars; one submission).

Conditions:
Inborn genetic diseases. Identifiers: MedGen C0950123, MeSH D030342.

gnomAD v4.1: 1 of 1,614,034 alleles (0.000062%); highest among the groups gnomAD compares: African/African-American, 0.0013%; no homozygotes.

Submission:

Ambry Genetics
Classification: Uncertain significance for Inborn genetic diseases. Last evaluated: 2026-08-18. Review status: criteria provided, single submitter. Criteria: Ambry Variant Classification Scheme 2023. Collection method: clinical testing. Allele origin: germline.
Comment: The c.4838G>T (p.S1613I) alteration is located in exon 42 (coding exon 41) of the NALCN gene. This alteration results from a G to T substitution at nucleotide position 4838, causing the serine (S) at amino acid position 1613 to be replaced by an isoleucine (I). Based on data from gnomAD, the T allele has an overall frequency of <0.001% (1/251428) total alleles studied. The highest observed frequency was 0.006% (1/16256) of African alleles. Based on insufficient or conflicting evidence, the clinical significance of this alteration remains unclear.